The following is an entry in ClinVar:

ClinVar aggregate classification (germline): Pathogenic. Review status: criteria provided, multiple submitters, no conflicts (2 of 4 stars). 3 submissions from 3 submitters: Pathogenic (2). 1 of the submissions does not count toward it. Last evaluated 2025-05-30.

Conditions:
Microcephaly 5, primary, autosomal recessive (MCPH5). Also called: ASPM Primary Microcephaly. Identifiers: Orphanet 2512, MedGen C1837501, MONDO:0012106, OMIM 608716.
Microcephaly 1, primary, autosomal recessive (MCPH1). Also called: PREMATURE CHROMOSOME CONDENSATION SYNDROME; PCC SYNDROME; PREMATURE CHROMOSOME CONDENSATION WITH MICROCEPHALY AND MENTAL RETARDATION. Identifiers: Orphanet 2512, MedGen C1855081, MONDO:0009617, OMIM 251200.

gnomAD v4.1: 9 of 1,613,778 alleles (0.00056%); highest among the groups gnomAD compares: South Asian, 0.0033%; no homozygotes.

Submissions (3):

GeneDx
Classification: Pathogenic. Last evaluated: 2025-05-30. Review status: criteria provided, single submitter. Criteria: GeneDx Variant Classification Process June 2021. Collection method: clinical testing. Allele origin: germline. Affected: yes.
Comment: Nonsense variant predicted to result in protein truncation or nonsense mediated decay in a gene for which loss of function is a known mechanism of disease; Not observed at significant frequency in large population cohorts (gnomAD); This variant is associated with the following publications: (PMID: 25525159, 29431480, 19353628, 26548919, 19931588)

Institute for Genomic Statistics and Bioinformatics, University Hospital Bonn
Classification: Pathogenic for Microcephaly 1, primary, autosomal recessive. Review status: criteria provided, single submitter. Criteria: ACMG Guidelines, 2015. Collection method: clinical testing. Allele origin: unknown. Affected: yes. Observed: 1 variant allele.

GeneReviews
No classification provided. Condition: Microcephaly 5, primary, autosomal recessive. Review status: no classification provided. Collection method: literature only. Allele origin: unknown. Not counted in ClinVar's aggregate classification.

Literature cited by the submitters: PubMed 20301772 (cited by GeneReviews); NCBI Bookshelf NBK9587 (cited by GeneReviews).

NM_018136.5(ASPM):c.2938C>T (p.Arg980Ter)

Gene: ASPM (assembly factor for spindle microtubules; minus strand). Cytogenetic location: 1q31.3.
Variant type: single nucleotide variant.
Coding change: c.2938C>T on transcript NM_018136.5 (MANE Select); coding-DNA position 2938, C replaced by T.
Protein change: p.Arg980Ter; replaces arginine 980 with a stop codon.
Molecular consequence: nonsense.
Genome position (GRCh38, 1-based): chr1:197,125,190, G>A on the plus strand (C>T on the coding strand, the complement: ASPM is on the minus strand). VCF-style: chr1-197125190-G-A. GRCh37 (hg19) VCF-style: chr1-197094320-G-A.
Other names: c.2938C>T, p.Arg980Ter (NM_001206846.2); short protein forms R980*.
Identifiers: ClinVar variation 21569 (VCV000021569.5), dbSNP rs199422151, ClinGen allele CA342231.